The following is an entry in ClinVar:

NM_000243.3(MEFV):c.2160C>G (p.Ile720Met)

Genes: MEFV (MEFV innate immunity regulator, pyrin; minus strand), LOC126862264 (CDK7 strongly-dependent group 2 enhancer GRCh37_chr16:3293322-3294521; plus strand). Cytogenetic location: 16p13.3.
Variant type: single nucleotide variant.
Coding change: c.2160C>G on transcript NM_000243.3 (MANE Select); coding-DNA position 2160, C replaced by G.
Protein change: p.Ile720Met; replaces isoleucine 720 with methionine.
Molecular consequence: missense variant. On other transcripts: 3 prime UTR variant (1).
Genome position (GRCh38, 1-based): chr16:3,243,327, G>C on the plus strand (C>G on the coding strand, the complement: MEFV is on the minus strand). VCF-style: chr16-3243327-G-C. GRCh37 (hg19) VCF-style: chr16-3293327-G-C.
Other names: c.*364C>G (NM_001198536.2); short protein forms I720M.
Identifiers: ClinVar variation 97499 (VCV000097499.17), dbSNP rs104895102, ClinGen allele CA280539.

ClinVar aggregate classification (germline): Conflicting classifications of pathogenicity. Review status: criteria provided, conflicting classifications (1 of 4 stars). 12 submissions from 10 submitters: Uncertain significance (7); Benign (3). 2 of the submissions do not count toward it. Last evaluated 2024-03-29.

Conditions:
Acute febrile neutrophilic dermatosis (AFND). Also called: Gomm Button disease; Sweet Syndrome. Identifiers: Orphanet 3243, MedGen C0085077, MONDO:0011959, OMIM 608068.
Familial Mediterranean fever (FMF). Also called: POLYSEROSITIS, FAMILIAL PAROXYSMAL; POLYSEROSITIS, RECURRENT; Periodic peritonitis; Benign paroxysmal peritonitis. Identifiers: Orphanet 342, MedGen C0031069, MONDO:0018088, OMIM 249100. Disease mechanism: gain of function.
Familial Mediterranean fever, autosomal dominant. Also called: FMF, AUTOSOMAL DOMINANT; Dominant Familial Mediterranean Fever. Identifiers: Orphanet 342, MedGen C1851347, MONDO:0007601, OMIM 134610.
MEFV-related disorder. Also called: MEFV-related disorders; MEFV-related condition.

Allele frequency attached by ClinVar (database versions not stated): gnomAD 0.00001; ExAC 0.00001; TOPMed 0.00002; gnomAD exomes 0.00001.

Submissions (12):

Genomic Medicine Center of Excellence, King Faisal Specialist Hospital and Research Centre
Classification: Uncertain significance for Familial Mediterranean fever. Last evaluated: 2024-03-29. Review status: criteria provided, single submitter. Criteria: ACMG Guidelines, 2015. Collection method: clinical testing. Allele origin: germline.

Fulgent Genetics
Classification: Uncertain significance for Familial Mediterranean fever, autosomal dominant; Familial Mediterranean fever; Acute febrile neutrophilic dermatosis. Last evaluated: 2024-01-22. Review status: criteria provided, single submitter. Criteria: ACMG Guidelines, 2015. Collection method: clinical testing. Allele origin: germline.

PreventionGenetics, part of Exact Sciences
Classification: Uncertain significance for MEFV-related condition. Last evaluated: 2023-05-11. Review status: criteria provided, single submitter. Criteria: ACMG Guidelines, 2015. Collection method: clinical testing. Allele origin: germline.
Comment: The MEFV c.2160C>G variant is predicted to result in the amino acid substitution p.Ile720Met. This variant was reported in an individual with Mediterranean fever, familial (Medlej-Hashim et al 2002. PubMed ID: 11903360). This variant is reported in 0.0018% of alleles in individuals of European (Non-Finnish) descent in gnomAD. At this time, the clinical significance of this variant is uncertain due to the absence of conclusive functional and genetic evidence.

Genome-Nilou Lab
Classification: Benign for Familial Mediterranean fever. Last evaluated: 2023-02-08. Review status: criteria provided, single submitter. Criteria: ACMG Guidelines, 2015. Collection method: clinical testing. Allele origin: germline.

Genome-Nilou Lab
Classification: Benign for Familial Mediterranean fever, autosomal dominant. Last evaluated: 2023-02-08. Review status: criteria provided, single submitter. Criteria: ACMG Guidelines, 2015. Collection method: clinical testing. Allele origin: germline.

Genome-Nilou Lab
Classification: Benign for Acute febrile neutrophilic dermatosis. Last evaluated: 2023-02-08. Review status: criteria provided, single submitter. Criteria: ACMG Guidelines, 2015. Collection method: clinical testing. Allele origin: germline.

Labcorp Genetics (formerly Invitae), Labcorp
Classification: Uncertain significance for Familial Mediterranean fever. Last evaluated: 2022-08-16. Review status: criteria provided, single submitter. Criteria: Invitae Variant Classification Sherloc (09022015). Collection method: clinical testing. Allele origin: germline.
Comment: This sequence change replaces isoleucine, which is neutral and non-polar, with methionine, which is neutral and non-polar, at codon 720 of the MEFV protein (p.Ile720Met). This variant is present in population databases (rs104895102, gnomAD 0.002%). This missense change has been observed in individual(s) with familial Mediterranean fever (FMF) (PMID: 11903360, 21413889). ClinVar contains an entry for this variant (Variation ID: 97499). Algorithms developed to predict the effect of missense changes on protein structure and function are either unavailable or do not agree on the potential impact of this missense change (SIFT: "Tolerated"; PolyPhen-2: "Probably Damaging"; Align-GVGD: "Class C0"). In summary, the available evidence is currently insufficient to determine the role of this variant in disease. Therefore, it has been classified as a Variant of Uncertain Significance.

Mendelics
Classification: Uncertain significance for Familial Mediterranean fever. Last evaluated: 2019-05-28. Review status: criteria provided, single submitter. Criteria: Mendelics Assertion Criteria 2017. Collection method: clinical testing. Allele origin: unknown.

Women's Health and Genetics/Laboratory Corporation of America, LabCorp
Classification: Uncertain significance. Last evaluated: 2018-06-04. Review status: criteria provided, single submitter. Criteria: LabCorp Variant Classification Summary - May 2015. Collection method: clinical testing. Allele origin: germline.
Comment: Variant summary: MEFV c.2160C>G (p.Ile720Met) results in a conservative amino acid change located in the B30.2/SPRY domain of the encoded protein sequence. Three of five in-silico tools predict a damaging effect of the variant on protein function. The variant allele was found at a frequency of 8.1e-06 in 246466 control chromosomes. The available data on variant occurrences in the general population are insufficient to allow any conclusion about variant significance. c.2160C>G has been reported in the literature in numerous individuals affected with Familial Mediterranean Fever, and most of these reports are in heterozygous patients, suggesting this variant may cause the dominant form of Familial Mediterranean Fever. However, strong evidence, such as cosegregation analysis within families, was not reported in these studies. Thus, these reports do not provide unequivocal conclusions about association of the variant with Dominant Familial Mediterranean Fever. To our knowledge, no experimental evidence demonstrating an impact on protein function has been reported. No clinical diagnostic laboratories have submitted clinical-significance assessments for this variant to ClinVar after 2014. Based on the evidence outlined above, the variant was classified as VUS-possibly pathogenic until more information becomes available.

Illumina Laboratory Services, Illumina
Classification: Uncertain significance for Familial Mediterranean fever. Last evaluated: 2017-04-27. Review status: criteria provided, single submitter. Criteria: ICSL Variant Classification Criteria 13 December 2019. Collection method: clinical testing. Allele origin: germline.
Comment: This variant was observed as part of a predisposition screen in an ostensibly healthy population. A literature search was performed for the gene, cDNA change, and amino acid change (where applicable). Publications were found based on this search. However, the evidence from the literature, in combination with allele frequency data from public databases where available, was not sufficient to rule this variant in or out of causing disease. Therefore, this variant is classified as a variant of unknown significance.

Natera, Inc.
Classification: Uncertain significance for Familial Mediterranean fever. Last evaluated: 2020-07-29. Review status: no assertion criteria provided. Collection method: clinical testing. Allele origin: germline. Not counted in ClinVar's aggregate classification.

Unité médicale des maladies autoinflammatoires, CHRU Montpellier
No classification provided. Condition: Familial Mediterranean fever. Review status: no classification provided. Collection method: not provided. Allele origin: unknown. Not counted in ClinVar's aggregate classification.

Literature cited by the submitters: PubMed 11903360 (cited by 3 submitters); PubMed 21413889 (cited by Labcorp Genetics (formerly Invitae), Labcorp and Women's Health and Genetics/Laboratory Corporation of America, LabCorp); PubMed 24117178 (cited by Women's Health and Genetics/Laboratory Corporation of America, LabCorp); PubMed 16378925 (cited by Women's Health and Genetics/Laboratory Corporation of America, LabCorp); PubMed 26247045 (cited by Women's Health and Genetics/Laboratory Corporation of America, LabCorp); PubMed 24301775 (cited by Women's Health and Genetics/Laboratory Corporation of America, LabCorp); PubMed 23031807 (cited by Women's Health and Genetics/Laboratory Corporation of America, LabCorp); PubMed 25332561 (cited by Women's Health and Genetics/Laboratory Corporation of America, LabCorp); PubMed 16730661 (cited by Women's Health and Genetics/Laboratory Corporation of America, LabCorp); PubMed 28289585 (cited by Women's Health and Genetics/Laboratory Corporation of America, LabCorp); PubMed 19729025 (cited by Women's Health and Genetics/Laboratory Corporation of America, LabCorp).